The following is an entry in ClinVar:

NM_001114753.3(ENG):c.1235G>A (p.Cys412Tyr)

Genes: ENG (endoglin; minus strand), LOC102723566 (uncharacterized LOC102723566; plus strand). Cytogenetic location: 9q34.11.
Variant type: single nucleotide variant.
Coding change: c.1235G>A on transcript NM_001114753.3 (MANE Select); coding-DNA position 1235, G replaced by A.
Protein change: p.Cys412Tyr; replaces cysteine 412 with tyrosine.
Molecular consequence: missense variant.
Genome position (GRCh38, 1-based): chr9:127,819,937, C>T on the plus strand (G>A on the coding strand, the complement: ENG is on the minus strand). VCF-style: chr9-127819937-C-T. GRCh37 (hg19) VCF-style: chr9-130582216-C-T.
Other names: c.1235G>A, p.Cys412Tyr (NM_000118.4); c.689G>A, p.Cys230Tyr (NM_001278138.2); short protein forms C412Y, C230Y.
Identifiers: ClinVar variation 458332 (VCV000458332.14), dbSNP rs1554809513, ClinGen allele CA374978391.

ClinVar aggregate classification (germline): Pathogenic/Likely pathogenic. Review status: criteria provided, multiple submitters, no conflicts (2 of 4 stars). 2 submissions from 2 submitters: Pathogenic (1); Likely pathogenic (1). Last evaluated 2024-06-28.

Conditions:
Cardiovascular phenotype. Identifiers: MedGen CN230736.
Hereditary hemorrhagic telangiectasia (HHT). Also called: ORW DISEASE; Osler Weber Rendu syndrome; OSLER-RENDU-WEBER DISEASE; Osler hemorrhagic telangiectasia syndrome. Identifiers: Orphanet 774, MedGen C0039445, MONDO:0019180. Disease mechanism: loss of function.

Submissions (2):

Labcorp Genetics (formerly Invitae), Labcorp
Classification: Pathogenic for Hereditary hemorrhagic telangiectasia. Last evaluated: 2024-06-28. Review status: criteria provided, single submitter. Criteria: Invitae Variant Classification Sherloc (09022015). Collection method: clinical testing. Allele origin: germline.
Comment: This sequence change replaces cysteine, which is neutral and slightly polar, with tyrosine, which is neutral and polar, at codon 412 of the ENG protein (p.Cys412Tyr). This variant is not present in population databases (gnomAD no frequency). This missense change has been observed in individuals with hereditary hemorrhagic telangiectasia (HHT) (PMID: 15024723, 17384219, 24196379, 25312062; Invitae). ClinVar contains an entry for this variant (Variation ID: 458332). Advanced modeling of protein sequence and biophysical properties (such as structural, functional, and spatial information, amino acid conservation, physicochemical variation, residue mobility, and thermodynamic stability) performed at Invitae indicates that this missense variant is expected to disrupt ENG protein function with a positive predictive value of 95%. Experimental studies have shown that this missense change affects ENG function (PMID: 25312062). For these reasons, this variant has been classified as Pathogenic.

Ambry Genetics
Classification: Likely pathogenic for Cardiovascular phenotype. Last evaluated: 2015-12-09. Review status: criteria provided, single submitter. Criteria: Ambry Variant Classification Scheme 2023. Collection method: clinical testing. Allele origin: germline.
Comment: The p.C412Y variant (also known as c.1235G>A), located in coding exon 9 of the ENG gene, results from a G to A substitution at nucleotide position 1235. The cysteine at codon 412 is replaced by tyrosine, an amino acid with highly dissimilar properties. This alteration was first reported in an individual with limited HHT features (Gedge F et al. J Mol Diagn. 2007;9(2):258-65). This alteration was also identified in a Japanese family with HHT (Komiyama M et al. J Hum Genet. 2014;59(1):37-41). In vitro studies showed that this alteration caused reduced cell surface presentation of the ENG protein and subsequently failed to enhance the ALK1 response to BMP9 compared to wild type (Mallet C et al, Hum. Mol. Genet. 2015 Feb; 24(4):1142-54). This variant has also been identified in our laboratory in two families with multiple family members affected with HHT carrying this alteration. This variant was not reported in population based cohorts in the following databases: Database of Single Nucleotide Polymorphisms (dbSNP), NHLBI Exome Sequencing Project (ESP), and 1000 Genomes Project. In the ESP, this variant was not observed in 6503 samples (13006 alleles) with coverage at this position. This amino acid position is highly conserved in available vertebrate species on limited alignment. In addition, this alteration is predicted to be deleterious by in silico analysis. Based on the majority of available evidence to date, this variant is likely to be pathogenic.

Literature cited by the submitters: PubMed 15024723 (cited by Labcorp Genetics (formerly Invitae), Labcorp); PubMed 17384219 (cited by Labcorp Genetics (formerly Invitae), Labcorp and Ambry Genetics); PubMed 24196379 (cited by Labcorp Genetics (formerly Invitae), Labcorp and Ambry Genetics); PubMed 25312062 (cited by Labcorp Genetics (formerly Invitae), Labcorp and Ambry Genetics).